The following is an entry in ClinVar:

ClinVar aggregate classification (germline): Likely benign. Review status: criteria provided, multiple submitters, no conflicts (2 of 4 stars). 3 submissions from 3 submitters: Likely benign (3). Last evaluated 2025-08-29.

Conditions:
Cardiomyopathy (CMYO). Also called: Cardiomyopathies. Identifiers: Orphanet 167848, MedGen C0878544, MONDO:0004994, HP:0001638. Inheritance: Various modes of inheritance.
Arrhythmogenic right ventricular dysplasia 5. Also called: ARRHYTHMOGENIC RIGHT VENTRICULAR DYSPLASIA, FAMILIAL, 5; Arrhythmogenic Right Ventricular Dysplasia/Cardiomyopathy 5. Identifiers: MedGen C1858379, MONDO:0011459, OMIM 604400.

Allele frequency attached by ClinVar (database versions not stated): gnomAD 0.00001; TOPMed 0.00001; ExAC 0.00002; gnomAD exomes 0.00002; ESP Exome Variant Server 0.00008.
gnomAD v4.1: 26 of 1,613,622 alleles (0.0016%); highest among the groups gnomAD compares: Non-Finnish European, 0.002%; no homozygotes.

Submissions (3):

Labcorp Genetics (formerly Invitae), Labcorp
Classification: Likely benign for Arrhythmogenic right ventricular dysplasia 5. Last evaluated: 2025-08-29. Review status: criteria provided, single submitter. Criteria: Invitae Variant Classification Sherloc (09022015). Collection method: clinical testing. Allele origin: germline.

Color Diagnostics, LLC DBA Color Health
Classification: Likely benign for Cardiomyopathy. Last evaluated: 2018-11-23. Review status: criteria provided, single submitter. Criteria: ACMG Guidelines, 2015. Collection method: clinical testing. Allele origin: germline.

GeneDx
Classification: Likely benign. Last evaluated: 2018-06-04. Review status: criteria provided, single submitter. Criteria: GeneDx Variant Classification (06012015). Collection method: clinical testing. Allele origin: germline. Affected: yes.
Comment: This variant is considered likely benign or benign based on one or more of the following criteria: it is a conservative change, it occurs at a poorly conserved position in the protein, it is predicted to be benign by multiple in silico algorithms, and/or has population frequency not consistent with disease.

NM_024334.3(TMEM43):c.443-12C>G

Gene: TMEM43 (transmembrane protein 43; plus strand). Cytogenetic location: 3p25.1.
Variant type: single nucleotide variant.
Coding change: c.443-12C>G on transcript NM_024334.3 (MANE Select); 12 bases into the intron before coding-DNA position 443, C replaced by G.
Molecular consequence: intron variant.
Genome position (GRCh38, 1-based): chr3:14,132,854, C>G. VCF-style: chr3-14132854-C-G. GRCh37 (hg19) VCF-style: chr3-14174354-C-G.
Identifiers: ClinVar variation 669090 (VCV000669090.10), dbSNP rs368555747, ClinGen allele CA053688.